The following is an entry in ClinVar:

NM_005138.3(SCO2):c.750_756dup (p.Ser253fs)

Genes: NCAPH2 (non-SMC condensin II complex subunit H2; plus strand), SCO2 (synthesis of cytochrome C oxidase 2; minus strand). Cytogenetic location: 22q13.33.
Variant type: Duplication.
Coding change: c.750_756dup on transcript NM_005138.3 (MANE Select); coding-DNA positions 750 to 756, 7 bases duplicated (CTCAGAC; older notation c.750_756dupCTCAGAC).
Protein change: p.Ser253fs; shifts the reading frame from serine 253.
Molecular consequence: frameshift variant. On other transcripts: 3 prime UTR variant (2).
Genome position (GRCh38, 1-based): chr22:50,523,656-50,523,662, GTCTGAG duplicated on the plus strand (CTCAGAC on the coding strand, the reverse complement: SCO2 is on the minus strand). VCF-style (leftmost placement, unchanged base first): chr22-50523655-T-TGTCTGAG. GRCh37 (hg19) VCF-style: chr22-50962084-T-TGTCTGAG.
Other names: c.*281_*287dup (NM_001185011.2, NM_152299.4); c.750_756dup, p.Ser253fs (NM_001169109.2, NM_001169110.1, NM_001169111.2); short protein forms S253fs.
Identifiers: ClinVar variation 2663033 (VCV002663033.4), dbSNP rs2522464931, ClinGen allele CA2577766363.

ClinVar aggregate classification (germline): Likely pathogenic. Review status: criteria provided, multiple submitters, no conflicts (2 of 4 stars). 2 submissions from 2 submitters: Likely pathogenic (2). Last evaluated 2023-07-03.

Allele frequency attached by ClinVar (database versions not stated): gnomAD exomes 0.00002.

Submissions (2):

Labcorp Genetics (formerly Invitae), Labcorp
Classification: Likely pathogenic. Last evaluated: 2023-07-03. Review status: criteria provided, single submitter. Criteria: Invitae Variant Classification Sherloc (09022015). Collection method: clinical testing. Allele origin: germline.
Comment: This sequence change results in a frameshift in the SCO2 gene (p.Ser253Leufs*?). While this is not anticipated to result in nonsense mediated decay, it is expected to disrupt the last 14 amino acid(s) of the SCO2 protein and extend the protein by an uncertain number of additional amino acid residues. This variant is not present in population databases (gnomAD no frequency). This frameshift has been observed in individual(s) with clinical features of mitochondrial complex deficiency (Invitae). In at least one individual the data is consistent with being in trans (on the opposite chromosome) from a pathogenic variant. This variant disrupts a region of the SCO2 protein in which other variant(s) (p.Arg255Trp) have been observed in individuals with SCO2-related conditions (PMID: 31844624). This suggests that this is a clinically significant region of the protein, and that variants that disrupt it are likely to be disease-causing. In summary, the currently available evidence indicates that the variant is pathogenic, but additional data are needed to prove that conclusively. Therefore, this variant has been classified as Likely Pathogenic.

GeneDx
Classification: Likely pathogenic. Last evaluated: 2023-02-22. Review status: criteria provided, single submitter. Criteria: GeneDx Variant Classification Process June 2021. Collection method: clinical testing. Allele origin: germline. Affected: yes.
Comment: Not observed at significant frequency in large population cohorts (gnomAD); Frameshift variant predicted to result in protein truncation as the last 14 amino acids are replaced with unknown different amino acids, although loss-of-function variants have not been reported downstream of this position in the protein; Has not been previously published as pathogenic or benign to our knowledge

Literature cited by the submitters: PubMed 31844624 (cited by Labcorp Genetics (formerly Invitae), Labcorp).